The following is an entry in ClinVar:

NM_003803.4(MYOM1):c.4987G>A (p.Val1663Met)

Gene: MYOM1 (myomesin 1; minus strand). Cytogenetic location: 18p11.31.
Variant type: single nucleotide variant.
Coding change: c.4987G>A on transcript NM_003803.4 (MANE Select); coding-DNA position 4987, G replaced by A.
Protein change: p.Val1663Met; replaces valine 1663 with methionine.
Molecular consequence: missense variant.
Genome position (GRCh38, 1-based): chr18:3,067,333, C>T on the plus strand (G>A on the coding strand, the complement: MYOM1 is on the minus strand). VCF-style: chr18-3067333-C-T. GRCh37 (hg19) VCF-style: chr18-3067331-C-T.
Other names: c.4699G>A, p.Val1567Met (NM_019856.2); short protein forms V1663M, V1567M.
Identifiers: ClinVar variation 190459 (VCV000190459.9), dbSNP rs751200138, ClinGen allele CA199709.
Genomic context (GRCh38, chr18:3,067,333, plus strand): 5'-TCTTGCCACCTTTCAGGGACTCCAAGGCGGCCATCCTCGCCTCCTCCTCTGGGATGAACA[C>T]GCTGACGGTGAAGTCGCTGGTCTCCGAGCCATACTTGTTCTTCACAACCAGCCCGTATTT-3'
Protein context (NP_003794.3, residues 1653-1673): GSETSDFTVS[Val1663Met]FIPEEEARMA

ClinVar aggregate classification (germline): Conflicting classifications of pathogenicity. Review status: criteria provided, conflicting classifications (1 of 4 stars). 2 submissions from 2 submitters: Likely pathogenic (1); Uncertain significance (1). Last evaluated 2024-10-06.

Conditions:
Non-immune hydrops fetalis (NIHF). Also called: Fetal edema; Idiopathic hydrops fetalis; Familial non-immune hydrops fetalis. Identifiers: Orphanet 363999, MedGen C0455988, MONDO:0009369, OMIM 236750, HP:0001790.
Hypertrophic cardiomyopathy. Also called: HYPERTROPHIC MYOCARDIOPATHY. Identifiers: Orphanet 217569, MedGen C0007194, MeSH D002312, MONDO:0005045, HP:0001639.

Allele frequency attached by ClinVar (database versions not stated): gnomAD exomes below 0.00001 and 0.00001; ExAC 0.00001; TOPMed 0.00001; gnomAD 0.00001.
gnomAD v4.1: 12 of 1,611,966 alleles (0.00074%); highest among the groups gnomAD compares: Middle Eastern, 0.022%; no homozygotes.

Submissions (2):

Labcorp Genetics (formerly Invitae), Labcorp
Classification: Uncertain significance for Hypertrophic cardiomyopathy. Last evaluated: 2024-10-06. Review status: criteria provided, single submitter. Criteria: Invitae Variant Classification Sherloc (09022015). Collection method: clinical testing. Allele origin: germline.
Comment: This sequence change replaces valine, which is neutral and non-polar, with methionine, which is neutral and non-polar, at codon 1663 of the MYOM1 protein (p.Val1663Met). This variant is present in population databases (rs751200138, gnomAD 0.006%). This missense change has been observed in individual(s) with non-immune hydrops fetalis (PMID: 26036949, 31130284). ClinVar contains an entry for this variant (Variation ID: 190459). Invitae Evidence Modeling of protein sequence and biophysical properties (such as structural, functional, and spatial information, amino acid conservation, physicochemical variation, residue mobility, and thermodynamic stability) indicates that this missense variant is not expected to disrupt MYOM1 protein function with a negative predictive value of 80%. In summary, the available evidence is currently insufficient to determine the role of this variant in disease. Therefore, it has been classified as a Variant of Uncertain Significance.

Genomic Medicine Center of Excellence, King Faisal Specialist Hospital and Research Centre
Classification: Likely pathogenic for Non-Immune hydrops fetalis. Last evaluated: 2013-03-19. Review status: criteria provided, single submitter. Criteria: Submitter's publication. Collection method: research. Allele origin: germline. Affected: yes. Observed: 1 homozygote.

Literature cited by the submitters: PubMed 26036949 (cited by Labcorp Genetics (formerly Invitae), Labcorp); PubMed 31130284 (cited by Labcorp Genetics (formerly Invitae), Labcorp).